The following is an entry in ClinVar:

ClinVar aggregate classification (germline): Uncertain significance (1 of 4 stars; one submission).

Conditions:
Epidermodysplasia verruciformis, susceptibility to, 1. Identifiers: Orphanet 302, MedGen C4722564, MONDO:0100045, OMIM 226400.

Allele frequency attached by ClinVar (database versions not stated): gnomAD exomes below 0.00001.

Submission:

Labcorp Genetics (formerly Invitae), Labcorp
Classification: Uncertain significance for Epidermodysplasia Verruciformis. Last evaluated: 2018-07-13. Review status: criteria provided, single submitter. Criteria: Invitae Variant Classification Sherloc (09022015). Collection method: clinical testing. Allele origin: germline.
Comment: This sequence change replaces phenylalanine with valine at codon 658 of the TMC6 protein (p.Phe658Val). TheÂ¬â€ phenylalanineÂ¬â€ residue is moderately conserved and there is a small physicochemical difference betweenÂ¬â€ phenylalanineÂ¬â€ andÂ¬â€ valine. This variant is not present in population databases (ExAC no frequency). This variant has not been reported in the literature in individuals with TMC6-related disease. Algorithms developed to predict the effect of missense changes on protein structure and function are either unavailable or do not agree on the potential impact of this missense change (SIFT: "Tolerated"; PolyPhen-2: "Possibly Damaging"; Align-GVGD: "Class C0"). In summary, the available evidence is currently insufficient to determine the role of this variant in disease. Therefore, it has been classified as a Variant of Uncertain Significance.

NM_001127198.5(TMC6):c.1972T>G (p.Phe658Val)

Gene: TMC6 (transmembrane channel like 6; minus strand). Cytogenetic location: 17q25.3.
Variant type: single nucleotide variant.
Coding change: c.1972T>G on transcript NM_001127198.5 (MANE Select); coding-DNA position 1972, T replaced by G.
Protein change: p.Phe658Val; replaces phenylalanine 658 with valine.
Molecular consequence: missense variant. On other transcripts: non-coding transcript variant (4).
Genome position (GRCh38, 1-based): chr17:78,117,851, A>C on the plus strand (T>G on the coding strand, the complement: TMC6 is on the minus strand). VCF-style: chr17-78117851-A-C. GRCh37 (hg19) VCF-style: chr17-76113932-A-C.
Other names: c.1972T>G, p.Phe658Val (NM_001321185.1, NM_001374596.1, NM_001375353.1 and 2 more transcripts); c.1792T>G, p.Phe598Val (NM_001374593.1, NM_001374594.1); short protein forms F658V, F598V.
Identifiers: ClinVar variation 656239 (VCV000656239.1), dbSNP rs1280636115, ClinGen allele CA401225859.